The following is an entry in ClinVar:

NM_031885.5(BBS2):c.974G>A (p.Arg325Lys)

Gene: BBS2 (Bardet-Biedl syndrome 2; minus strand). Cytogenetic location: 16q13.
Variant type: single nucleotide variant.
Coding change: c.974G>A on transcript NM_031885.5 (MANE Select); coding-DNA position 974, G replaced by A.
Protein change: p.Arg325Lys; replaces arginine 325 with lysine.
Molecular consequence: missense variant. On other transcripts: non-coding transcript variant (5).
Genome position (GRCh38, 1-based): chr16:56,502,423, C>T on the plus strand (G>A on the coding strand, the complement: BBS2 is on the minus strand). VCF-style: chr16-56502423-C-T. GRCh37 (hg19) VCF-style: chr16-56536335-C-T.
Other names: c.974G>A, p.Arg325Lys (NM_001377456.1); short protein forms R325K.
Identifiers: ClinVar variation 1383190 (VCV001383190.7), dbSNP rs1964301074, ClinGen allele CA395980753.
Genomic context (GRCh38, chr16:56,502,423, plus strand): 5'-TTCTTCTGACTCAGCTCTCGGATCAGGTCCTGCTCTGCACTGGTGTCCATGAGGTTGCCC[C>T]TCATCTCAGCCGTGCCAGGCAGGTAGCCCCGGACTGAACAGAAGGAAAAAACCGCAAGTA-3'
Protein context (NP_114091.4, residues 315-335): RGYLPGTAEM[Arg325Lys]GNLMDTSAEQ

ClinVar aggregate classification (germline): Uncertain significance. Review status: criteria provided, multiple submitters, no conflicts (2 of 4 stars). 2 submissions from 2 submitters: Uncertain significance (2). Last evaluated 2021-09-25.

Conditions:
Retinitis pigmentosa 74 (RP74). Identifiers: Orphanet 791, MedGen C4225281, MONDO:0014692, OMIM 616562.
Bardet-Biedl syndrome 2 (BBS2). Identifiers: Orphanet 110, MedGen C2936863, MONDO:0014432, OMIM 615981.
Bardet-Biedl syndrome (BBS). Identifiers: Orphanet 110, MedGen C0752166, MONDO:0015229.

Allele frequency attached by ClinVar (database versions not stated): TOPMed below 0.00001.

Submissions (2):

Labcorp Genetics (formerly Invitae), Labcorp
Classification: Uncertain significance for Bardet-Biedl syndrome. Last evaluated: 2021-09-25. Review status: criteria provided, single submitter. Criteria: Invitae Variant Classification Sherloc (09022015). Collection method: clinical testing. Allele origin: germline.
Comment: In summary, the available evidence is currently insufficient to determine the role of this variant in disease. Therefore, it has been classified as a Variant of Uncertain Significance. This sequence change replaces arginine with lysine at codon 325 of the BBS2 protein (p.Arg325Lys). The arginine residue is weakly conserved and there is a small physicochemical difference between arginine and lysine. This variant is not present in population databases (ExAC no frequency). This variant has not been reported in the literature in individuals affected with BBS2-related conditions. Algorithms developed to predict the effect of missense changes on protein structure and function output the following: SIFT: "Tolerated"; PolyPhen-2: "Benign"; Align-GVGD: "Class C0". The lysine amino acid residue is found in multiple mammalian species, which suggests that this missense change does not adversely affect protein function.

Fulgent Genetics
Classification: Uncertain significance for Bardet-Biedl syndrome 2; Retinitis pigmentosa 74. Last evaluated: 2021-07-12. Review status: criteria provided, single submitter. Criteria: ACMG Guidelines, 2015. Collection method: clinical testing. Allele origin: unknown.